The following is an entry in ClinVar:

NM_032578.4(MYPN):c.3118C>G (p.Pro1040Ala)

Gene: MYPN (myopalladin; plus strand). Cytogenetic location: 10q21.3.
Variant type: single nucleotide variant.
Coding change: c.3118C>G on transcript NM_032578.4 (MANE Select); coding-DNA position 3118, C replaced by G.
Protein change: p.Pro1040Ala; replaces proline 1040 with alanine.
Molecular consequence: missense variant. On other transcripts: non-coding transcript variant (2).
Genome position (GRCh38, 1-based): chr10:68,195,492, C>G. VCF-style: chr10-68195492-C-G. GRCh37 (hg19) VCF-style: chr10-69955249-C-G.
Other names: c.3118C>G, p.Pro1040Ala (NM_001256267.2); c.2236C>G, p.Pro746Ala (NM_001256268.2); short protein forms P746A, P1040A.
Identifiers: ClinVar variation 4116166 (VCV004116166.1).

ClinVar aggregate classification (germline): Uncertain significance (1 of 4 stars; one submission).

Conditions:
Cardiovascular phenotype. Identifiers: MedGen CN230736.

Submission:

Ambry Genetics
Classification: Uncertain significance for Cardiovascular phenotype. Last evaluated: 2025-07-30. Review status: criteria provided, single submitter. Criteria: Ambry Variant Classification Scheme 2023. Collection method: clinical testing. Allele origin: germline.
Comment: The p.P1040A variant (also known as c.3118C>G), located in coding exon 14 of the MYPN gene, results from a C to G substitution at nucleotide position 3118. The proline at codon 1040 is replaced by alanine, an amino acid with highly similar properties. This amino acid position is conserved. In addition, the in silico prediction for this alteration is inconclusive. Based on the available evidence, the clinical significance of this variant remains unclear.